The following is an entry in ClinVar:

NM_001205293.3(CACNA1E):c.1397G>A (p.Arg466His)

Gene: CACNA1E (calcium voltage-gated channel subunit alpha1 E; plus strand). Cytogenetic location: 1q25.3.
Variant type: single nucleotide variant.
Coding change: c.1397G>A on transcript NM_001205293.3 (MANE Select); coding-DNA position 1397, G replaced by A.
Protein change: p.Arg466His; replaces arginine 466 with histidine.
Molecular consequence: missense variant.
Genome position (GRCh38, 1-based): chr1:181,717,174, G>A. VCF-style: chr1-181717174-G-A. GRCh37 (hg19) VCF-style: chr1-181686310-G-A.
Other names: c.1397G>A, p.Arg466His (NM_000721.4, NM_001205294.2); short protein forms R466H.
Identifiers: ClinVar variation 1335002 (VCV001335002.38), dbSNP rs762966764, ClinGen allele CA1275114.

ClinVar aggregate classification (germline): Uncertain significance. Review status: criteria provided, multiple submitters, no conflicts (2 of 4 stars). 3 submissions from 3 submitters: Uncertain significance (3). Last evaluated 2024-05-27.

Allele frequency attached by ClinVar (database versions not stated): TOPMed below 0.00001; gnomAD exomes 0.00001; ExAC 0.00002.
gnomAD v4.1: 11 of 1,614,010 alleles (0.00068%); highest among the groups gnomAD compares: African/African-American, 0.0013%; no homozygotes.

Submissions (3):

Centre for Clinical Genetics and Genomic Diagnostics, Zealand University Hospital
Classification: Uncertain significance. Last evaluated: 2024-05-27. Review status: criteria provided, single submitter. Criteria: ACMG Guidelines, 2015. Collection method: clinical testing. Allele origin: germline. Affected: yes.

CeGaT Center for Human Genetics Tuebingen
Classification: Uncertain significance. Last evaluated: 2024-05-01. Review status: criteria provided, single submitter. Criteria: CeGaT Center For Human Genetics Tuebingen Variant Classification Criteria Version 2. Collection method: clinical testing. Allele origin: germline. Affected: yes. Observed: 2 variant alleles.
Comment: CACNA1E: PM2, PP2

Labcorp Genetics (formerly Invitae), Labcorp
Classification: Uncertain significance. Last evaluated: 2022-12-22. Review status: criteria provided, single submitter. Criteria: Invitae Variant Classification Sherloc (09022015). Collection method: clinical testing. Allele origin: germline.
Comment: This sequence change replaces arginine, which is basic and polar, with histidine, which is basic and polar, at codon 466 of the CACNA1E protein (p.Arg466His). This variant is present in population databases (rs762966764, gnomAD 0.002%). This variant has not been reported in the literature in individuals affected with CACNA1E-related conditions. ClinVar contains an entry for this variant (Variation ID: 1335002). Advanced modeling of protein sequence and biophysical properties (such as structural, functional, and spatial information, amino acid conservation, physicochemical variation, residue mobility, and thermodynamic stability) has been performed at Invitae for this missense variant, however the output from this modeling did not meet the statistical confidence thresholds required to predict the impact of this variant on CACNA1E protein function. In summary, the available evidence is currently insufficient to determine the role of this variant in disease. Therefore, it has been classified as a Variant of Uncertain Significance.